The following is an entry in ClinVar:

ClinVar aggregate classification (germline): Uncertain significance (1 of 4 stars; one submission).

Conditions:
Gastrointestinal stromal tumor. Also called: Gastrointestinal stroma tumor; Gastrointestinal stromal tumor, somatic. Identifiers: Orphanet 44890, MedGen C0238198, MeSH D046152, MONDO:0011719, OMIM 606764, HP:0100723.

Submission:

Labcorp Genetics (formerly Invitae), Labcorp
Classification: Uncertain significance for Gastrointestinal stromal tumor. Last evaluated: 2021-04-08. Review status: criteria provided, single submitter. Criteria: Invitae Variant Classification Sherloc (09022015). Collection method: clinical testing. Allele origin: germline.
Comment: In summary, the available evidence is currently insufficient to determine the role of this variant in disease. Therefore, it has been classified as a Variant of Uncertain Significance. Algorithms developed to predict the effect of sequence changes on RNA splicing suggest that this variant may create or strengthen a splice site, but this prediction has not been confirmed by published transcriptional studies. This variant has not been reported in the literature in individuals with PDGFRA-related conditions. This variant is not present in population databases (ExAC no frequency). This sequence change creates a premature translational stop signal (p.Tyr993*) in the PDGFRA gene. It is expected to result in an absent or disrupted protein product. However, the current clinical and genetic evidence is not sufficient to establish whether loss-of-function variants in PDGFRA cause disease.

NM_006206.6(PDGFRA):c.2979C>G (p.Tyr993Ter)

Gene: PDGFRA (platelet derived growth factor receptor alpha; plus strand). Cytogenetic location: 4q12.
Variant type: single nucleotide variant.
Coding change: c.2979C>G on transcript NM_006206.6 (MANE Select); coding-DNA position 2979, C replaced by G.
Protein change: p.Tyr993Ter; replaces tyrosine 993 with a stop codon.
Molecular consequence: nonsense.
Genome position (GRCh38, 1-based): chr4:54,290,411, C>G. VCF-style: chr4-54290411-C-G. GRCh37 (hg19) VCF-style: chr4-55156578-C-G.
Other names: c.3054C>G, p.Tyr1018Ter (NM_001347828.2); c.2979C>G, p.Tyr993Ter (NM_001347829.2); c.3018C>G, p.Tyr1006Ter (NM_001347830.2); short protein forms Y1006*, Y993*, Y1018*.
Identifiers: ClinVar variation 1385736 (VCV001385736.6), dbSNP rs2110348485, ClinGen allele CA356896112.